The following is an entry in ClinVar:

ClinVar aggregate classification (germline): Uncertain significance. Review status: criteria provided, multiple submitters, no conflicts (2 of 4 stars). 2 submissions from 2 submitters: Uncertain significance (2). Last evaluated 2023-09-25.

Conditions:
Inborn genetic diseases. Identifiers: MedGen C0950123, MeSH D030342.
Charcot-Marie-Tooth disease type 4. Also called: Charcot-Marie-Tooth disease, type IV; Charcot-Marie-Tooth, Type 4. Identifiers: Orphanet 64749, MedGen C4082197, MONDO:0018995.

Allele frequency attached by ClinVar (database versions not stated): ExAC 0.00001; gnomAD exomes 0.00001; gnomAD 0.00003; TOPMed 0.00004.
gnomAD v4.1: 8 of 1,614,080 alleles (0.0005%); highest among the groups gnomAD compares: African/African-American, 0.0053%; no homozygotes.

Submissions (2):

Ambry Genetics
Classification: Uncertain significance for Inborn genetic diseases. Last evaluated: 2023-09-25. Review status: criteria provided, single submitter. Criteria: Ambry Variant Classification Scheme 2023. Collection method: clinical testing. Allele origin: germline.

Labcorp Genetics (formerly Invitae), Labcorp
Classification: Uncertain significance for Charcot-Marie-Tooth disease type 4. Last evaluated: 2022-03-19. Review status: criteria provided, single submitter. Criteria: Invitae Variant Classification Sherloc (09022015). Collection method: clinical testing. Allele origin: germline.
Comment: This sequence change replaces proline, which is neutral and non-polar, with serine, which is neutral and polar, at codon 686 of the SH3TC2 protein (p.Pro686Ser). This variant is present in population databases (rs767415595, gnomAD 0.002%). This variant has not been reported in the literature in individuals affected with SH3TC2-related conditions. ClinVar contains an entry for this variant (Variation ID: 568606). Algorithms developed to predict the effect of missense changes on protein structure and function (SIFT, PolyPhen-2, Align-GVGD) all suggest that this variant is likely to be disruptive. In summary, the available evidence is currently insufficient to determine the role of this variant in disease. Therefore, it has been classified as a Variant of Uncertain Significance.

NM_024577.4(SH3TC2):c.2056C>T (p.Pro686Ser)

Gene: SH3TC2 (SH3 domain and tetratricopeptide repeats 2; minus strand). Cytogenetic location: 5q32.
Variant type: single nucleotide variant.
Coding change: c.2056C>T on transcript NM_024577.4 (MANE Select); coding-DNA position 2056, C replaced by T.
Protein change: p.Pro686Ser; replaces proline 686 with serine.
Molecular consequence: missense variant.
Genome position (GRCh38, 1-based): chr5:149,027,676, G>A on the plus strand (C>T on the coding strand, the complement: SH3TC2 is on the minus strand). VCF-style: chr5-149027676-G-A. GRCh37 (hg19) VCF-style: chr5-148407239-G-A.
Other names: short protein forms P686S.
Identifiers: ClinVar variation 568606 (VCV000568606.6), dbSNP rs767415595, ClinGen allele CA3499067.